The following is an entry in ClinVar:

ClinVar aggregate classification (germline): Uncertain significance. Review status: criteria provided, multiple submitters, no conflicts (2 of 4 stars). 2 submissions from 2 submitters: Uncertain significance (2). Last evaluated 2022-08-09.

Conditions:
Inborn genetic diseases. Identifiers: MedGen C0950123, MeSH D030342.

gnomAD v4.1: 7 of 1,613,900 alleles (0.00043%); highest among the groups gnomAD compares: African/African-American, 0.0027%; no homozygotes.

Submissions (2):

Labcorp Genetics (formerly Invitae), Labcorp
Classification: Uncertain significance. Last evaluated: 2022-08-09. Review status: criteria provided, single submitter. Criteria: Invitae Variant Classification Sherloc (09022015). Collection method: clinical testing. Allele origin: germline.
Comment: This sequence change replaces lysine, which is basic and polar, with glutamic acid, which is acidic and polar, at codon 173 of the MPLKIP protein (p.Lys173Glu). This variant is present in population databases (rs200318770, gnomAD 0.0009%). This variant has not been reported in the literature in individuals affected with MPLKIP-related conditions. Algorithms developed to predict the effect of missense changes on protein structure and function are either unavailable or do not agree on the potential impact of this missense change (SIFT: "Deleterious"; PolyPhen-2: "Possibly Damaging"; Align-GVGD: "Class C0"). In summary, the available evidence is currently insufficient to determine the role of this variant in disease. Therefore, it has been classified as a Variant of Uncertain Significance.

Ambry Genetics
Classification: Uncertain significance for Inborn genetic diseases. Last evaluated: 2021-10-20. Review status: criteria provided, single submitter. Criteria: Ambry Variant Classification Scheme 2023. Collection method: clinical testing. Allele origin: germline.

NM_138701.4(MPLKIP):c.517A>G (p.Lys173Glu)

Gene: MPLKIP (M-phase specific PLK1 interacting protein; minus strand). Cytogenetic location: 7p14.1.
Variant type: single nucleotide variant.
Coding change: c.517A>G on transcript NM_138701.4 (MANE Select); coding-DNA position 517, A replaced by G.
Protein change: p.Lys173Glu; replaces lysine 173 with glutamic acid.
Molecular consequence: missense variant.
Genome position (GRCh38, 1-based): chr7:40,133,082, T>C on the plus strand (A>G on the coding strand, the complement: MPLKIP is on the minus strand). VCF-style: chr7-40133082-T-C. GRCh37 (hg19) VCF-style: chr7-40172681-T-C.
Other names: short protein forms K173E.
Identifiers: ClinVar variation 1959140 (VCV001959140.3), dbSNP rs200318770, ClinGen allele CA157713101.